The following is an entry in ClinVar:

NM_130839.5(UBE3A):c.1207G>A (p.Glu403Lys)

Genes: SNHG14 (small nucleolar RNA host gene 14; plus strand), UBE3A (ubiquitin protein ligase E3A; minus strand). Cytogenetic location: 15q11.2.
Variant type: single nucleotide variant.
Coding change: c.1207G>A on transcript NM_130839.5 (MANE Select); coding-DNA position 1207, G replaced by A.
Protein change: p.Glu403Lys; replaces glutamic acid 403 with lysine.
Molecular consequence: missense variant. On other transcripts: non-coding transcript variant (1), intron variant (2).
Genome position (GRCh38, 1-based): chr15:25,370,967, C>T on the plus strand (G>A on the coding strand, the complement: UBE3A is on the minus strand). VCF-style: chr15-25370967-C-T. GRCh37 (hg19) VCF-style: chr15-25616114-C-T.
Other names: c.1147G>A, p.Glu383Lys (NM_001354541.2, NM_001354542.2, NM_001354543.2 and 17 more transcripts); c.1207G>A, p.Glu403Lys (NM_001354545.2, NM_001354538.2, NM_001354505.1); c.1030G>A, p.Glu344Lys (NM_001354546.2); c.301+4498G>A (NM_001354551.2); c.361+4498G>A (NM_001354550.2); c.1216G>A, p.Glu406Lys (NM_000462.5); short protein forms E344K, E383K, E403K, E406K.
Identifiers: ClinVar variation 1314011 (VCV001314011.2), dbSNP rs1555400239, ClinGen allele CA391354121.
Genomic context (GRCh38, chr15:25,370,967, plus strand): 5'-CCACTCGAGGACCTTTCTTGTTTCTTCTTTCTTCTCCCAAAAGTTCCTGAAGTGTCAGCT[C>T]GCTGGACTCAGGGATGGGCTCTTCATCATCTTCTTCATTGTGATTTGTGTCCACTTCCCC-3'
Protein context (NP_570854.1, residues 393-413): DDEEPIPESS[Glu403Lys]LTLQELLGEE

ClinVar aggregate classification (germline): Uncertain significance (1 of 4 stars; one submission).

Submission:

GeneDx
Classification: Uncertain significance. Last evaluated: 2021-01-12. Review status: criteria provided, single submitter. Criteria: GeneDx Variant Classification Process June 2021. Collection method: clinical testing. Allele origin: germline. Affected: yes.
Comment: Not observed in large population cohorts (Lek et al., 2016); In silico analysis supports that this missense variant does not alter protein structure/function; Has not been previously published as pathogenic or benign to our knowledge; A different missense change at this residue (E383D) has been reported in the Human Gene Mutation Database(Stenson et al., 2014)